The following is an entry in ClinVar:

NM_001267550.2(TTN):c.100237T>C (p.Trp33413Arg)

Genes: TTN (titin; minus strand), TTN-AS1 (TTN antisense RNA 1; plus strand), LOC126806420 (BRD4-independent group 4 enhancer GRCh37_chr2:179401104-179402303; plus strand). Cytogenetic location: 2q31.2.
Variant type: single nucleotide variant.
Coding change: c.100237T>C on transcript NM_001267550.2 (MANE Select); coding-DNA position 100237, T replaced by C.
Protein change: p.Trp33413Arg; replaces tryptophan 33413 with arginine.
Molecular consequence: missense variant.
Genome position (GRCh38, 1-based): chr2:178,536,510, A>G on the plus strand (T>C on the coding strand, the complement: TTN is on the minus strand). VCF-style: chr2-178536510-A-G. GRCh37 (hg19) VCF-style: chr2-179401237-A-G.
Other names: c.95314T>C, p.Trp31772Arg (NM_001256850.1); c.73042T>C, p.Trp24348Arg (NM_003319.4); c.92533T>C, p.Trp30845Arg (NM_133378.4); c.73417T>C, p.Trp24473Arg (NM_133432.3); c.73618T>C, p.Trp24540Arg (NM_133437.4); short protein forms W33413R, W24473R, W24348R, W30845R, W31772R, W24540R.
Identifiers: ClinVar variation 4795237 (VCV004795237.1).

ClinVar aggregate classification (germline): VUS-high (1 of 4 stars; one submission).

Conditions:
Autosomal recessive titinopathy. Identifiers: MedGen CN315649, MONDO:0100493.

gnomAD v4.1: 2 of 1,550,938 alleles (0.00013%); highest among the groups gnomAD compares: Non-Finnish European, 0.00017%; no homozygotes.

Submission:

Myofin, Folkhalsan Research Center
Classification: VUS-high for Autosomal recessive titinopathy. Last evaluated: 2026-02-06. Review status: criteria provided, single submitter. Criteria: ACMG Guidelines, 2015. Collection method: research. Allele origin: germline. Affected: yes.
Comment: The variant is rare in population databases (MAF 0.000001290 in gnomAD; no homozygotes reported) and has a high deleterious computational prediction (AlphaMissense 1). Given limited case-level evidence and lack of robust variant-level functional/replication data , we classify this variant as Uncertain significance (VUS-high) for recessive titinopathy.

Literature cited by the submitters: DOI 10.1101/2025.07.17.25331152.